The following is an entry in ClinVar:

ClinVar aggregate classification (germline): Conflicting classifications of pathogenicity. Review status: criteria provided, conflicting classifications (1 of 4 stars). 9 submissions from 9 submitters: Uncertain significance (5); Likely benign (4). Last evaluated 2025-08-04.

Conditions:
TTN-related disorder. Also called: TTN-related condition; TTN-related disease; TTN-related disorders.
Cardiovascular phenotype. Identifiers: MedGen CN230736.
Autosomal recessive limb-girdle muscular dystrophy type 2J (LGMDR10). Also called: Limb-girdle muscular dystrophy, type 2J; MUSCULAR DYSTROPHY, LIMB-GIRDLE, AUTOSOMAL RECESSIVE 10. Identifiers: Orphanet 140922, MedGen C1837342, MONDO:0012127, OMIM 608807.
Dilated cardiomyopathy 1G (CMD1G). Identifiers: Orphanet 154, MedGen C1858763, MONDO:0011400, OMIM 604145.

Allele frequency attached by ClinVar (database versions not stated): gnomAD exomes 0.00007 and 0.00010; TOPMed 0.00007; ESP Exome Variant Server 0.00008; gnomAD 0.00010 and 0.00011; ExAC 0.00015.
gnomAD v4.1: 127 of 1,613,766 alleles (0.0079%); highest among the groups gnomAD compares: Non-Finnish European, 0.01%; no homozygotes.

Submissions (9):

PreventionGenetics, part of Exact Sciences
Classification: Uncertain significance for TTN-related condition. Last evaluated: 2025-08-04. Review status: criteria provided, single submitter. Criteria: ACMG Guidelines, 2015. Collection method: clinical testing. Allele origin: germline.
Comment: The TTN c.12547A>G variant is predicted to result in the amino acid substitution p.Lys4183Glu. To our knowledge, this variant has not been reported in the literature. This variant is reported in 0.019% of alleles in individuals of European (Non-Finnish) descent in gnomAD. At this time, the clinical significance of this variant is uncertain due to the absence of conclusive functional and genetic evidence.

Molecular Diagnostic Laboratory for Inherited Cardiovascular Disease, Montreal Heart Institute
Classification: Likely benign. Last evaluated: 2025-04-09. Review status: criteria provided, single submitter. Criteria: ACMG Guidelines, 2015. Collection method: clinical testing. Allele origin: germline. Affected: no.

Women's Health and Genetics/Laboratory Corporation of America, LabCorp
Classification: Uncertain significance. Last evaluated: 2025-01-30. Review status: criteria provided, single submitter. Criteria: LabCorp Variant Classification Summary - May 2015. Collection method: clinical testing. Allele origin: germline.
Comment: Variant summary: TTN c.10361-2326A>G is located at a position not widely known to affect splicing. This variant corresponds to c.12547A>G, p.Lys4183Glu in NM_001267550. Consensus agreement among computation tools predict no significant impact on normal splicing. However, these predictions have yet to be confirmed by functional studies. The variant allele was found at a frequency of 0.0001 in 248470 control chromosomes (gnomAD). This frequency is not significantly higher than estimated for a pathogenic variant in TTN causing Dilated Cardiomyopathy (0.0001 vs 0.00039), allowing no conclusion about variant significance. To our knowledge, no occurrence of c.10361-2326A>G in individuals affected with Dilated Cardiomyopathy and no experimental evidence demonstrating its impact on protein function have been reported. ClinVar contains an entry for this variant (Variation ID: 229594). Based on the evidence outlined above, the variant was classified as uncertain significance.

Blueprint Genetics
Classification: Likely benign. Last evaluated: 2024-11-08. Review status: criteria provided, single submitter. Criteria: ACMG Guidelines, 2015. Collection method: clinical testing. Allele origin: germline.

CeGaT Center for Human Genetics Tuebingen
Classification: Uncertain significance. Last evaluated: 2023-01-01. Review status: criteria provided, single submitter. Criteria: CeGaT Center For Human Genetics Tuebingen Variant Classification Criteria Version 2. Collection method: clinical testing. Allele origin: germline. Affected: yes. Observed: 1 variant allele.
Comment: TTN: PM2, BP4

GeneDx
Classification: Likely benign. Last evaluated: 2021-02-22. Review status: criteria provided, single submitter. Criteria: GeneDx Variant Classification Process June 2021. Collection method: clinical testing. Allele origin: germline. Affected: yes.

Ambry Genetics
Classification: Likely benign for Cardiovascular phenotype. Last evaluated: 2019-08-22. Review status: criteria provided, single submitter. Criteria: Ambry Variant Classification Scheme 2023. Collection method: clinical testing. Allele origin: germline.

Labcorp Genetics (formerly Invitae), Labcorp
Classification: Uncertain significance for Dilated cardiomyopathy 1G; Autosomal recessive limb-girdle muscular dystrophy type 2J. Last evaluated: 2017-12-28. Review status: criteria provided, single submitter. Criteria: Invitae Variant Classification Sherloc (09022015). Collection method: clinical testing. Allele origin: germline.

Laboratory for Molecular Medicine, Mass General Brigham Personalized Medicine
Classification: Uncertain significance. Last evaluated: 2015-04-04. Review status: criteria provided, single submitter. Criteria: LMM Criteria. Collection method: clinical testing. Allele origin: germline. Observed: 1 variant allele.
Comment: Variant classified as Uncertain Significance - Favor Benign. The p.Lys3945Glu va riant in TTN has not been previously reported in individuals with cardiomyopathy , but has been identified in 16/66676 European chromosomes by the Exome Aggregat ion Consortium (dbSNP rs201565932). Computationa l prediction tools and conservation analyses do not provide strong support for o r against an impact to the protein. In summary, while the clinical significance of the p.Lys3945Glu variant is uncertain, these data suggest that it is more lik ely to be benign.

NM_001267550.2(TTN):c.12547A>G (p.Lys4183Glu)

Gene: TTN (titin; minus strand). Cytogenetic location: 2q31.2.
Variant type: single nucleotide variant.
Coding change: c.12547A>G on transcript NM_001267550.2 (MANE Select); coding-DNA position 12547, A replaced by G.
Protein change: p.Lys4183Glu; replaces lysine 4183 with glutamic acid.
Molecular consequence: missense variant. On other transcripts: intron variant (1).
Genome position (GRCh38, 1-based): chr2:178,740,686, T>C on the plus strand (A>G on the coding strand, the complement: TTN is on the minus strand). VCF-style: chr2-178740686-T-C. GRCh37 (hg19) VCF-style: chr2-179605413-T-C.
Other names: c.11458A>G, p.Lys3820Glu (NM_003319.4); c.12034A>G, p.Lys4012Glu (NM_133437.4); c.10361-2326A>G (NM_133378.4); c.11596A>G, p.Lys3866Glu (NM_001256850.1); c.11833A>G, p.Lys3945Glu (NM_133432.3); short protein forms K3945E, K4183E, K3866E, K4012E, K3820E.
Identifiers: ClinVar variation 229594 (VCV000229594.39), dbSNP rs201565932, ClinGen allele CA2002698.